The following is an entry in ClinVar:

NM_004304.5(ALK):c.2041+6G>T

Gene: ALK (ALK receptor tyrosine kinase; minus strand). Cytogenetic location: 2p23.2.
Variant type: single nucleotide variant.
Coding change: c.2041+6G>T on transcript NM_004304.5 (MANE Select); 6 bases into the intron after coding-DNA position 2041, G replaced by T.
Molecular consequence: intron variant.
Genome position (GRCh38, 1-based): chr2:29,275,093, C>A on the plus strand (G>T on the coding strand, the complement: ALK is on the minus strand). VCF-style: chr2-29275093-C-A. GRCh37 (hg19) VCF-style: chr2-29497959-C-A.
Identifiers: ClinVar variation 2163064 (VCV002163064.4), dbSNP rs535441820, ClinGen allele CA44665370.

ClinVar aggregate classification (germline): Uncertain significance (1 of 4 stars; one submission).

Conditions:
Neuroblastoma, susceptibility to, 3. Also called: ALK-Related Neuroblastic Tumor Susceptibility. Identifiers: Orphanet 635, MedGen C2751681, MONDO:0013083, OMIM 613014.

Allele frequency attached by ClinVar (database versions not stated): gnomAD exomes below 0.00001; gnomAD 0.00001; 1000 Genomes Project 30x 0.00016; 1000 Genomes Project 0.00020.
gnomAD v4.1: 3 of 1,614,002 alleles (0.00019%); highest among the groups gnomAD compares: East Asian, 0.0045%; no homozygotes.

Submission:

Labcorp Genetics (formerly Invitae), Labcorp
Classification: Uncertain significance for Neuroblastoma, susceptibility to, 3. Last evaluated: 2025-11-18. Review status: criteria provided, single submitter. Criteria: Invitae Variant Classification Sherloc (09022015). Collection method: clinical testing. Allele origin: germline.
Comment: This sequence change falls in intron 11 of the ALK gene. It does not directly change the encoded amino acid sequence of the ALK protein. It affects a nucleotide within the consensus splice site. This variant is present in population databases (rs535441820, gnomAD 0.006%). This variant has not been reported in the literature in individuals affected with ALK-related conditions. ClinVar contains an entry for this variant (Variation ID: 2163064). Variants that disrupt the consensus splice site are a relatively common cause of aberrant splicing (PMID: 17576681, 9536098). Algorithms developed to predict the effect of sequence changes on RNA splicing suggest that this variant is not likely to affect RNA splicing. In summary, the available evidence is currently insufficient to determine the role of this variant in disease. Therefore, it has been classified as a Variant of Uncertain Significance.

Literature cited by the submitters: PubMed 17576681; PubMed 9536098.